The following is an entry in ClinVar:

NM_000719.7(CACNA1C):c.1547A>G (p.Lys516Arg)

Gene: CACNA1C (calcium voltage-gated channel subunit alpha1 C; plus strand). Cytogenetic location: 12p13.33.
Variant type: single nucleotide variant.
Coding change: c.1547A>G on transcript NM_000719.7 (MANE Select); coding-DNA position 1547, A replaced by G.
Protein change: p.Lys516Arg; replaces lysine 516 with arginine.
Molecular consequence: missense variant.
Genome position (GRCh38, 1-based): chr12:2,566,460, A>G. VCF-style: chr12-2566460-A-G. GRCh37 (hg19) VCF-style: chr12-2675626-A-G.
Other names: c.1547A>G, p.Lys516Arg (NM_001129837.2, NM_001129838.2, NM_001129839.2 and 18 more transcripts); c.1538A>G, p.Lys513Arg (NM_001129844.2); short protein forms K513R, K516R.
Identifiers: ClinVar variation 4707183 (VCV004707183.2).

ClinVar aggregate classification (germline): Uncertain significance. Review status: criteria provided, multiple submitters, no conflicts (2 of 4 stars). 2 submissions from 2 submitters: Uncertain significance (2). Last evaluated 2026-09-11.

Conditions:
Long QT syndrome (LQTS). Identifiers: MedGen C0023976, MeSH D008133, MONDO:0002442. Disease mechanism: loss of function. Inheritance: Various modes of inheritance.
Cardiovascular phenotype. Identifiers: MedGen CN230736.

Submissions (2):

Ambry Genetics
Classification: Uncertain significance for Cardiovascular phenotype. Last evaluated: 2026-09-11. Review status: criteria provided, single submitter. Criteria: Ambry Variant Classification Scheme 2023. Collection method: clinical testing. Allele origin: germline.

Labcorp Genetics (formerly Invitae), Labcorp
Classification: Uncertain significance for Long QT syndrome. Last evaluated: 2025-10-24. Review status: criteria provided, single submitter. Criteria: Invitae Variant Classification Sherloc (09022015). Collection method: clinical testing. Allele origin: germline.
Comment: This sequence change replaces lysine, which is basic and polar, with arginine, which is basic and polar, at codon 516 of the CACNA1C protein (p.Lys516Arg). This variant is not present in population databases (gnomAD no frequency). This variant has not been reported in the literature in individuals affected with CACNA1C-related conditions. Invitae Evidence Modeling of protein sequence and biophysical properties (such as structural, functional, and spatial information, amino acid conservation, physicochemical variation, residue mobility, and thermodynamic stability) indicates that this missense variant is not expected to disrupt CACNA1C protein function with a negative predictive value of 95%. In summary, the available evidence is currently insufficient to determine the role of this variant in disease. Therefore, it has been classified as a Variant of Uncertain Significance.